The following is an entry in ClinVar:

ClinVar aggregate classification (germline): Uncertain significance (1 of 4 stars; one submission).

Submission:

Labcorp Genetics (formerly Invitae), Labcorp
Classification: Uncertain significance. Last evaluated: 2022-11-08. Review status: criteria provided, single submitter. Criteria: Invitae Variant Classification Sherloc (09022015). Collection method: clinical testing. Allele origin: germline.
Comment: Algorithms developed to predict the effect of missense changes on protein structure and function (SIFT, PolyPhen-2, Align-GVGD) all suggest that this variant is likely to be disruptive. In summary, the available evidence is currently insufficient to determine the role of this variant in disease. Therefore, it has been classified as a Variant of Uncertain Significance. This variant has not been reported in the literature in individuals affected with IMPG1-related conditions. This variant is not present in population databases (gnomAD no frequency). This sequence change replaces asparagine, which is neutral and polar, with serine, which is neutral and polar, at codon 636 of the IMPG1 protein (p.Asn636Ser).

NM_001563.4(IMPG1):c.1907A>G (p.Asn636Ser)

Gene: IMPG1 (interphotoreceptor matrix proteoglycan 1; minus strand). Cytogenetic location: 6q14.1.
Variant type: single nucleotide variant.
Coding change: c.1907A>G on transcript NM_001563.4 (MANE Select); coding-DNA position 1907, A replaced by G.
Protein change: p.Asn636Ser; replaces asparagine 636 with serine.
Molecular consequence: missense variant.
Genome position (GRCh38, 1-based): chr6:75,947,451, T>C on the plus strand (A>G on the coding strand, the complement: IMPG1 is on the minus strand). VCF-style: chr6-75947451-T-C. GRCh37 (hg19) VCF-style: chr6-76657168-T-C.
Other names: c.1673A>G, p.Asn558Ser (NM_001282368.2); short protein forms N558S, N636S.
Identifiers: ClinVar variation 1483621 (VCV001483621.6), dbSNP rs1037821641, ClinGen allele CA364775529.
Genomic context (GRCh38, chr6:75,947,451, plus strand): 5'-ACCCCGTGCACAGCCTTGGTGAGGTTATACGGCACTGACTTAGCAAACTTCATTTTGCTA[T>C]TCACAATCACACTCCCGTTTCTGAAGTTAAGTATTTCAAGTTGCTTAAATCCTGTAAGAT-3'
Protein context (NP_001554.2, residues 626-646): LNFRNGSVIV[Asn636Ser]SKMKFAKSVP